The following is an entry in ClinVar:

ClinVar aggregate classification (germline): Likely pathogenic (1 of 4 stars; one submission).

Conditions:
alpha Thalassemia. Also called: Alpha thalassemia spectrum. Identifiers: Orphanet 846, MedGen C0002312, MONDO:0011399, OMIM 604131.

Submission:

Natera, Inc.
Classification: Likely pathogenic for Alpha thalassemia. Last evaluated: 2025-11-11. Review status: criteria provided, single submitter. Criteria: Natera Variant Classification Schema (03/2026). Collection method: clinical testing. Allele origin: germline.
Comment: The c.344_345dupCC variant in HBA1 is a frameshift variant predicted to shift the reading frame beginning at codon 116 and leads to a stop codon 19 codons downstream. This variant is expected to result in nonsense mediated decay, truncation, or a dysfunctional protein product. This variant is rare in the general population with a frequency below the threshold expected for the associated phenotype(s). Given the available evidence, this variant is classified as Likely Pathogenic.

NM_000558.5(HBA1):c.344_345dup (p.Ala116fs)

Genes: HBA1 (hemoglobin subunit alpha 1; plus strand), LOC106804613 (hemoglobin subunit alpha 1 recombination region; plus strand). Cytogenetic location: 16p13.3.
Variant type: Duplication.
Coding change: c.344_345dup on transcript NM_000558.5 (MANE Select); coding-DNA positions 344 to 345, 2 bases duplicated (CC; older notation c.344_345dupCC).
Protein change: p.Ala116fs; shifts the reading frame from alanine 116.
Molecular consequence: frameshift variant.
Genome position (GRCh38, 1-based): chr16:177,326-177,327, CC duplicated; duplicating any 2 consecutive bases within chr16:177,324-177,327 gives the same sequence; the c. name uses the placement nearest the transcript's 3' end. VCF-style (leftmost placement, unchanged base first): chr16-177323-T-TCC. GRCh37 (hg19) VCF-style: chr16-227322-T-TCC.
Other names: short protein forms A116fs.
Identifiers: ClinVar variation 4814403 (VCV004814403.1).